The following is an entry in ClinVar:

NM_001430.5(EPAS1):c.1736C>T (p.Pro579Leu)

Gene: EPAS1 (endothelial PAS domain protein 1; plus strand). Cytogenetic location: 2p21.
Variant type: single nucleotide variant.
Coding change: c.1736C>T on transcript NM_001430.5 (MANE Select); coding-DNA position 1736, C replaced by T.
Protein change: p.Pro579Leu; replaces proline 579 with leucine.
Molecular consequence: missense variant.
Genome position (GRCh38, 1-based): chr2:46,380,408, C>T. VCF-style: chr2-46380408-C-T. GRCh37 (hg19) VCF-style: chr2-46607547-C-T.
Other names: short protein forms P579L.
Identifiers: ClinVar variation 1779079 (VCV001779079.4), dbSNP rs375648855, ClinGen allele CA1645096.

ClinVar aggregate classification (germline): Uncertain significance. Review status: criteria provided, multiple submitters, no conflicts (2 of 4 stars). 2 submissions from 2 submitters: Uncertain significance (2). Last evaluated 2024-05-08.

Conditions:
Inborn genetic diseases. Identifiers: MedGen C0950123, MeSH D030342.

Allele frequency attached by ClinVar (database versions not stated): gnomAD exomes 0.00001; ExAC 0.00002; gnomAD 0.00002; TOPMed 0.00002; ESP Exome Variant Server 0.00008.
gnomAD v4.1: 27 of 1,614,038 alleles (0.0017%); highest among the groups gnomAD compares: Middle Eastern, 0.016%; no homozygotes.

Submissions (2):

Labcorp Genetics (formerly Invitae), Labcorp
Classification: Uncertain significance. Last evaluated: 2024-05-08. Review status: criteria provided, single submitter. Criteria: Invitae Variant Classification Sherloc (09022015). Collection method: clinical testing. Allele origin: germline.
Comment: This sequence change replaces proline, which is neutral and non-polar, with leucine, which is neutral and non-polar, at codon 579 of the EPAS1 protein (p.Pro579Leu). This variant is present in population databases (rs375648855, gnomAD 0.007%). This variant has not been reported in the literature in individuals affected with EPAS1-related conditions. ClinVar contains an entry for this variant (Variation ID: 1779079). An algorithm developed to predict the effect of missense changes on protein structure and function (PolyPhen-2) suggests that this variant is likely to be tolerated. In summary, the available evidence is currently insufficient to determine the role of this variant in disease. Therefore, it has been classified as a Variant of Uncertain Significance.

Ambry Genetics
Classification: Uncertain significance for Inborn genetic diseases. Last evaluated: 2021-08-07. Review status: criteria provided, single submitter. Criteria: Ambry Variant Classification Scheme 2023. Collection method: clinical testing. Allele origin: germline.
Comment: The p.P579L variant (also known as c.1736C>T), located in coding exon 12 of the EPAS1 gene, results from a C to T substitution at nucleotide position 1736. The proline at codon 579 is replaced by leucine, an amino acid with similar properties. This amino acid position is conserved. In addition, this alteration is predicted to be tolerated by in silico analysis. Since supporting evidence is limited at this time, the clinical significance of this alteration remains unclear.